The following is an entry in ClinVar:

NM_001242896.3(DEPDC5):c.3032C>T (p.Ala1011Val)

Gene: DEPDC5 (DEP domain containing 5, GATOR1 subcomplex subunit; plus strand). Cytogenetic location: 22q12.3.
Variant type: single nucleotide variant.
Coding change: c.3032C>T on transcript NM_001242896.3 (MANE Select); coding-DNA position 3032, C replaced by T.
Protein change: p.Ala1011Val; replaces alanine 1011 with valine.
Molecular consequence: missense variant. On other transcripts: non-coding transcript variant (5).
Genome position (GRCh38, 1-based): chr22:31,846,844, C>T. VCF-style: chr22-31846844-C-T. GRCh37 (hg19) VCF-style: chr22-32242830-C-T.
Other names: c.3005C>T, p.Ala1002Val (NM_001136029.4, NM_001369903.1, NM_014662.6); c.2798C>T, p.Ala933Val (NM_001242897.2, NM_001363854.2, NM_001364319.2); c.3032C>T, p.Ala1011Val (NM_001363852.2, NM_001364318.2, NM_001364320.2); c.2948C>T, p.Ala983Val (NM_001369901.1, NM_001369902.1); short protein forms A1011V, A933V, A983V, A1002V.
Identifiers: ClinVar variation 4769369 (VCV004769369.1).
Genomic context (GRCh38, chr22:31,846,844, plus strand): 5'-CACTGAGAGCCCACTTGGCTGATGGCCTTGTCTCCTCTTCTCTGCTTTAGAAAGGGACCG[C>T]CATGAAAGGCTTGCAGATGACTGGGCCCATTTCCACGCATTCTCTGGAGTCAACTGCACC-3'
Protein context (NP_001229825.1, residues 1001-1021): RSDRMMRKGT[Ala1011Val]MKGLQMTGPI

ClinVar aggregate classification (germline): Uncertain significance (1 of 4 stars; one submission).

Conditions:
Familial focal epilepsy with variable foci (FPEVF). Identifiers: Orphanet 98820, MedGen C1858477, MONDO:0020310.

Submission:

Labcorp Genetics (formerly Invitae), Labcorp
Classification: Uncertain significance for Familial focal epilepsy with variable foci. Last evaluated: 2025-05-30. Review status: criteria provided, single submitter. Criteria: Invitae Variant Classification Sherloc (09022015). Collection method: clinical testing. Allele origin: germline.
Comment: This sequence change replaces alanine, which is neutral and non-polar, with valine, which is neutral and non-polar, at codon 1011 of the DEPDC5 protein (p.Ala1011Val). This variant is present in population databases (no rsID available, gnomAD 0.0009%). This variant has not been reported in the literature in individuals affected with DEPDC5-related conditions. Experimental studies and prediction algorithms are not available or were not evaluated, and the functional significance of this variant is currently unknown. In summary, the available evidence is currently insufficient to determine the role of this variant in disease. Therefore, it has been classified as a Variant of Uncertain Significance.